The following is an entry in ClinVar:

NM_006269.2(RP1):c.367C>T (p.Arg123Cys)

Gene: RP1 (RP1 axonemal microtubule associated; plus strand). Cytogenetic location: 8q12.1.
Variant type: single nucleotide variant.
Coding change: c.367C>T on transcript NM_006269.2 (MANE Select); coding-DNA position 367, C replaced by T.
Protein change: p.Arg123Cys; replaces arginine 123 with cysteine.
Molecular consequence: missense variant.
Genome position (GRCh38, 1-based): chr8:54,621,333, C>T. VCF-style: chr8-54621333-C-T. GRCh37 (hg19) VCF-style: chr8-55533893-C-T.
Other names: c.367C>T, p.Arg123Cys (NM_001375654.1); short protein forms R123C.
Identifiers: ClinVar variation 1025517 (VCV001025517.8), dbSNP rs769522856, ClinGen allele CA4751127.
Genomic context (GRCh38, chr8:54,621,333, plus strand): 5'-TCCTACCTATGTTCCCACGGCAGGAAGGTGCAGCCTGTAGACCTGGACAAAGCCCGTCGG[C>T]GCCCGCGGCCCTGGCTCAGCAGCCGGGCCATTAGCGCGCACTCACCGCCCCACCCCGTAG-3'
Protein context (NP_006260.1, residues 113-133): QPVDLDKARR[Arg123Cys]PRPWLSSRAI

ClinVar aggregate classification (germline): Uncertain significance. Review status: criteria provided, multiple submitters, no conflicts (2 of 4 stars). 3 submissions from 3 submitters: Uncertain significance (3). Last evaluated 2025-09-16.

Conditions:
Retinal dystrophy. Also called: Inherited retinal dystrophy. Identifiers: Orphanet 71862, MedGen C0854723, MeSH D058499, MONDO:0019118, HP:0000556.

Allele frequency attached by ClinVar (database versions not stated): gnomAD 0.00001; gnomAD exomes 0.00001; ExAC 0.00002; TOPMed 0.00003.

Submissions (3):

Labcorp Genetics (formerly Invitae), Labcorp
Classification: Uncertain significance. Last evaluated: 2025-09-16. Review status: criteria provided, single submitter. Criteria: Invitae Variant Classification Sherloc (09022015). Collection method: clinical testing. Allele origin: germline.
Comment: This sequence change replaces arginine, which is basic and polar, with cysteine, which is neutral and slightly polar, at codon 123 of the RP1 protein (p.Arg123Cys). This variant is present in population databases (rs769522856, gnomAD 0.0009%). This missense change has been observed in individual(s) with retinitis pigmentosa (internal data). ClinVar contains an entry for this variant (Variation ID: 1025517). An algorithm developed to predict the effect of missense changes on protein structure and function (PolyPhen-2) suggests that this variant is likely to be disruptive. In summary, the available evidence is currently insufficient to determine the role of this variant in disease. Therefore, it has been classified as a Variant of Uncertain Significance.

Blueprint Genetics
Classification: Uncertain significance. Last evaluated: 2024-11-18. Review status: criteria provided, single submitter. Criteria: ACMG Guidelines, 2015. Collection method: clinical testing. Allele origin: germline.

Institute of Human Genetics, Univ. Regensburg, Univ. Regensburg
Classification: Uncertain significance for Retinal dystrophy. Last evaluated: 2023-01-01. Review status: criteria provided, single submitter. Criteria: ACMG Guidelines, 2015. Collection method: clinical testing. Allele origin: germline. Affected: yes.

Literature cited by the submitters: PubMed 27639823 (cited by Institute of Human Genetics, Univ. Regensburg, Univ. Regensburg).